The following is an entry in ClinVar:

ClinVar aggregate classification (germline): Conflicting classifications of pathogenicity. Review status: criteria provided, conflicting classifications (1 of 4 stars). 5 submissions from 5 submitters: Likely pathogenic (1); Uncertain significance (4). Last evaluated 2025-12-04.

Conditions:
Donnai-Barrow syndrome. Also called: FACIOOCULOACOUSTICORENAL SYNDROME; DBS/FOAR SYNDROME. Identifiers: Orphanet 2143, MedGen C1857277, MONDO:0009104, OMIM 222448.

Allele frequency attached by ClinVar (database versions not stated): TOPMed below 0.00001; ExAC 0.00001; gnomAD 0.00001; gnomAD exomes 0.00001 and 0.00003; 1000 Genomes Project 0.00020; 1000 Genomes Project 30x 0.00031.
gnomAD v4.1: 14 of 1,614,082 alleles (0.00087%); highest among the groups gnomAD compares: East Asian, 0.031%; no homozygotes.

Submissions (5):

Myriad Genetics, Inc.
Classification: Uncertain significance for Donnai-Barrow syndrome. Last evaluated: 2025-12-04. Review status: criteria provided, single submitter. Criteria: Myriad Autosomal Dominant, Autosomal Recessive and X-Linked Classification Criteria (2023). Collection method: clinical testing. Allele origin: unknown.
Comment: NM_004525.2(LRP2):c.863G>A(G288E) is a missense variant classified as a variant of uncertain significance in the context of Donnai-Barrow syndrome. G288E has not been observed in cases with relevant disease. Relevant functional assessments of this variant are not available in the literature. G288E has been observed in referenced population frequency databases. In summary, there is insufficient evidence to classify NM_004525.2(LRP2):c.863G>A(G288E) as pathogenic or benign. Please note: this variant was assessed in the context of healthy population screening.

Fulgent Genetics
Classification: Uncertain significance for Donnai-Barrow syndrome. Last evaluated: 2024-02-13. Review status: criteria provided, single submitter. Criteria: ACMG Guidelines, 2015. Collection method: clinical testing. Allele origin: germline.

Labcorp Genetics (formerly Invitae), Labcorp
Classification: Uncertain significance. Last evaluated: 2022-02-10. Review status: criteria provided, single submitter. Criteria: Invitae Variant Classification Sherloc (09022015). Collection method: clinical testing. Allele origin: germline.
Comment: This sequence change replaces glycine, which is neutral and non-polar, with glutamic acid, which is acidic and polar, at codon 288 of the LRP2 protein (p.Gly288Glu). This variant is present in population databases (rs147110349, gnomAD 0.04%). This variant has not been reported in the literature in individuals affected with LRP2-related conditions. ClinVar contains an entry for this variant (Variation ID: 332197). Advanced modeling of protein sequence and biophysical properties (such as structural, functional, and spatial information, amino acid conservation, physicochemical variation, residue mobility, and thermodynamic stability) performed at Invitae indicates that this missense variant is expected to disrupt LRP2 protein function. In summary, the available evidence is currently insufficient to determine the role of this variant in disease. Therefore, it has been classified as a Variant of Uncertain Significance.

Illumina Laboratory Services, Illumina
Classification: Uncertain significance for Donnai-Barrow syndrome. Last evaluated: 2018-01-13. Review status: criteria provided, single submitter. Criteria: ICSL Variant Classification Criteria 13 December 2019. Collection method: clinical testing. Allele origin: germline.

Juno Genomics, Hangzhou Juno Genomics, Inc
Classification: Likely pathogenic for Donnai-Barrow syndrome. Review status: criteria provided, single submitter. Criteria: ACMG Guidelines, 2015. Collection method: clinical testing. Allele origin: germline.
Comment: Absent from controls (or at extremely low frequency if recessive) in Genome Aggregation Database.;Multiple lines of computational evidence support a deleterious effect on the gene or gene product.;Missense variant in a gene that has a low rate of benign missense variation.;For recessive disorders, detected in trans with a pathogenic variant.

NM_004525.3(LRP2):c.863G>A (p.Gly288Glu)

Gene: LRP2 (LDL receptor related protein 2; minus strand). Cytogenetic location: 2q31.1.
Variant type: single nucleotide variant.
Coding change: c.863G>A on transcript NM_004525.3 (MANE Select); coding-DNA position 863, G replaced by A.
Protein change: p.Gly288Glu; replaces glycine 288 with glutamic acid.
Molecular consequence: missense variant.
Genome position (GRCh38, 1-based): chr2:169,290,904, C>T on the plus strand (G>A on the coding strand, the complement: LRP2 is on the minus strand). VCF-style: chr2-169290904-C-T. GRCh37 (hg19) VCF-style: chr2-170147414-C-T.
Other names: short protein forms G288E.
Identifiers: ClinVar variation 332197 (VCV000332197.14), dbSNP rs147110349, ClinGen allele CA1955729.